The following is an entry in ClinVar:

ClinVar aggregate classification (germline): Likely benign (0 of 4 stars; one submission).

Conditions:
ITPKC-related disorder. Also called: ITPKC-related condition.

Allele frequency attached by ClinVar (database versions not stated): gnomAD exomes 0.00008; ExAC 0.00022; ESP Exome Variant Server 0.00038; gnomAD 0.00065; 1000 Genomes Project 30x 0.00078; 1000 Genomes Project 0.00080; TOPMed 0.00082.
gnomAD v4.1: 215 of 1,613,166 alleles (0.013%); highest among the groups gnomAD compares: African/African-American, 0.26%; no homozygotes.

Submission:

PreventionGenetics, part of Exact Sciences
Classification: Likely benign for ITPKC-related condition. Last evaluated: 2019-10-28. Review status: no assertion criteria provided. Collection method: clinical testing. Allele origin: germline.
Comment: This variant is classified as likely benign based on ACMG/AMP sequence variant interpretation guidelines (Richards et al. 2015 PMID: 25741868, with internal and published modifications).

NM_025194.3(ITPKC):c.1470-9T>C

Gene: ITPKC (inositol-trisphosphate 3-kinase C; plus strand). Cytogenetic location: 19q13.2.
Variant type: single nucleotide variant.
Coding change: c.1470-9T>C on transcript NM_025194.3 (MANE Select); 9 bases into the intron before coding-DNA position 1470, T replaced by C.
Molecular consequence: intron variant.
Genome position (GRCh38, 1-based): chr19:40,733,151, T>C. VCF-style: chr19-40733151-T-C. GRCh37 (hg19) VCF-style: chr19-41239056-T-C.
Other names: c.1470-9T>C (NM_001411098.1).
Identifiers: ClinVar variation 3052360 (VCV003052360.2), dbSNP rs149591476, ClinGen allele CA9450884.